The following is an entry in ClinVar:

ClinVar aggregate classification (germline): Likely benign (0 of 4 stars; one submission).

Conditions:
KSR2-related disorder. Also called: KSR2-related condition.

gnomAD v4.1: 31 of 1,613,700 alleles (0.0019%); highest among the groups gnomAD compares: Non-Finnish European, 0.0025%; no homozygotes.

Submission:

PreventionGenetics, part of Exact Sciences
Classification: Likely benign for KSR2-related condition. Last evaluated: 2023-02-06. Review status: no assertion criteria provided. Collection method: clinical testing. Allele origin: germline.
Comment: This variant is classified as likely benign based on ACMG/AMP sequence variant interpretation guidelines (Richards et al. 2015 PMID: 25741868, with internal and published modifications).

NM_173598.6(KSR2):c.1281C>A (p.Val427=)

Gene: KSR2 (kinase suppressor of ras 2; minus strand). Cytogenetic location: 12q24.22.
Variant type: single nucleotide variant.
Coding change: c.1281C>A on transcript NM_173598.6 (MANE Select); coding-DNA position 1281, C replaced by A.
Protein change: p.Val427=; no amino-acid change (valine 427 retained).
Molecular consequence: synonymous variant.
Genome position (GRCh38, 1-based): chr12:117,579,163, G>T on the plus strand (C>A on the coding strand, the complement: KSR2 is on the minus strand). VCF-style: chr12-117579163-G-T. GRCh37 (hg19) VCF-style: chr12-118016968-G-T.
Identifiers: ClinVar variation 3357053 (VCV003357053.1).